The following is an entry in ClinVar:

NM_001378120.1(MBD5):c.2471T>C (p.Ile824Thr)

Gene: MBD5 (methyl-CpG binding domain protein 5; plus strand). Cytogenetic location: 2q23.1.
Variant type: single nucleotide variant.
Coding change: c.2471T>C on transcript NM_001378120.1 (MANE Select); coding-DNA position 2471, T replaced by C.
Protein change: p.Ile824Thr; replaces isoleucine 824 with threonine.
Molecular consequence: missense variant.
Genome position (GRCh38, 1-based): chr2:148,470,414, T>C. VCF-style: chr2-148470414-T-C. GRCh37 (hg19) VCF-style: chr2-149227983-T-C.
Other names: c.2471T>C, p.Ile824Thr (NM_018328.5); short protein forms I824T.
Identifiers: ClinVar variation 1061248 (VCV001061248.9), dbSNP rs1286239142, ClinGen allele CA348721931.

ClinVar aggregate classification (germline): Uncertain significance (1 of 4 stars; one submission).

Conditions:
Intellectual developmental disorder, autosomal dominant 1. Also called: Intellectual disability, autosomal dominant 1; MBD5 Haploinsufficiency. Identifiers: Orphanet 228402, MedGen C1969562, MONDO:0007974, OMIM 156200.

Allele frequency attached by ClinVar (database versions not stated): gnomAD 0.00001; TOPMed 0.00001.
gnomAD v4.1: 1 of 1,612,034 alleles (0.000062%); highest among the groups gnomAD compares: African/African-American, 0.0013%; no homozygotes.

Submission:

Labcorp Genetics (formerly Invitae), Labcorp
Classification: Uncertain significance for Intellectual developmental disorder, autosomal dominant 1. Last evaluated: 2023-11-13. Review status: criteria provided, single submitter. Criteria: Invitae Variant Classification Sherloc (09022015). Collection method: clinical testing. Allele origin: germline.
Comment: This sequence change replaces isoleucine, which is neutral and non-polar, with threonine, which is neutral and polar, at codon 824 of the MBD5 protein (p.Ile824Thr). This variant is not present in population databases (gnomAD no frequency). This variant has not been reported in the literature in individuals affected with MBD5-related conditions. ClinVar contains an entry for this variant (Variation ID: 1061248). Advanced modeling of protein sequence and biophysical properties (such as structural, functional, and spatial information, amino acid conservation, physicochemical variation, residue mobility, and thermodynamic stability) performed at Invitae indicates that this missense variant is not expected to disrupt MBD5 protein function with a negative predictive value of 80%. In summary, the available evidence is currently insufficient to determine the role of this variant in disease. Therefore, it has been classified as a Variant of Uncertain Significance.